The following is an entry in ClinVar:

ClinVar aggregate classification (germline): Uncertain significance (1 of 4 stars; one submission).

Submission:

Labcorp Genetics (formerly Invitae), Labcorp
Classification: Uncertain significance. Last evaluated: 2023-04-09. Review status: criteria provided, single submitter. Criteria: Invitae Variant Classification Sherloc (09022015). Collection method: clinical testing. Allele origin: unknown.
Comment: In summary, the available evidence is currently insufficient to determine the role of this variant in disease. Therefore, it has been classified as a Variant of Uncertain Significance. This variant has not been reported in the literature in individuals affected with GRM1-related conditions. This variant results in a copy number gain of the genomic region encompassing exon(s) 1 of the GRM1 gene. This region includes the initiator codon of the gene. This copy number gain extends beyond the assayed region for this gene and therefore may encompass additional genes. As the precise location of this event is unknown, it may be in tandem or it may be located elsewhere in the genome.

NC_000006.11:g.(?_146350654)_(146351373_?)dup

Gene: GRM1 (glutamate metabotropic receptor 1; plus strand). Cytogenetic location: 6q24.3.
Variant type: Duplication.
Identifiers: ClinVar variation 3246157 (VCV003246157.1).